The following is an entry in ClinVar:

ClinVar aggregate classification (germline): Uncertain significance (1 of 4 stars; one submission).

gnomAD v4.1: 1 of 1,613,738 alleles (0.000062%); highest among the groups gnomAD compares: Admixed American, 0.0017%; no homozygotes.

Submission:

Labcorp Genetics (formerly Invitae), Labcorp
Classification: Uncertain significance. Last evaluated: 2022-09-27. Review status: criteria provided, single submitter. Criteria: Invitae Variant Classification Sherloc (09022015). Collection method: clinical testing. Allele origin: germline.
Comment: This sequence change replaces tryptophan, which is neutral and slightly polar, with arginine, which is basic and polar, at codon 184 of the MOCS2B protein (p.Trp184Arg). In summary, the available evidence is currently insufficient to determine the role of this variant in disease. Therefore, it has been classified as a Variant of Uncertain Significance. Algorithms developed to predict the effect of missense changes on protein structure and function are either unavailable or do not agree on the potential impact of this missense change (SIFT: "Deleterious"; PolyPhen-2: "Benign"; Align-GVGD: "Class C15"). This variant has not been reported in the literature in individuals affected with MOCS2B-related conditions. This variant is not present in population databases (gnomAD no frequency).

NM_004531.5(MOCS2):c.550T>C (p.Trp184Arg)

Gene: MOCS2 (molybdenum cofactor synthesis 2; minus strand). Cytogenetic location: 5q11.2.
Variant type: single nucleotide variant.
Coding change: c.550T>C on transcript NM_004531.5 (MANE Select); coding-DNA position 550, T replaced by C.
Protein change: p.Trp184Arg; replaces tryptophan 184 with arginine.
Molecular consequence: missense variant. On other transcripts: 3 prime UTR variant (1).
Genome position (GRCh38, 1-based): chr5:53,098,619, A>G on the plus strand (T>C on the coding strand, the complement: MOCS2 is on the minus strand). VCF-style: chr5-53098619-A-G. GRCh37 (hg19) VCF-style: chr5-52394449-A-G.
Other names: c.*470T>C (NM_176806.4); c.550T>C, p.Trp184Arg (NM_183418.1); short protein forms W184R.
Identifiers: ClinVar variation 2121495 (VCV002121495.4), dbSNP rs747390142, ClinGen allele CA359692572.